The following is an entry in ClinVar:

ClinVar aggregate classification (germline): Pathogenic (1 of 4 stars; one submission).

Conditions:
PRPH2-related disorder. Also called: PRPH2-related condition; PRPH2-related disorders. Identifiers: MedGen CN239395.

Submission:

Labcorp Genetics (formerly Invitae), Labcorp
Classification: Pathogenic for PRPH2-related disorder. Last evaluated: 2022-07-09. Review status: criteria provided, single submitter. Criteria: Invitae Variant Classification Sherloc (09022015). Collection method: clinical testing. Allele origin: germline.
Comment: For these reasons, this variant has been classified as Pathogenic. This variant has not been reported in the literature in individuals affected with PRPH2-related conditions. This variant is not present in population databases (gnomAD no frequency). This sequence change creates a premature translational stop signal (p.Cys222*) in the PRPH2 gene. It is expected to result in an absent or disrupted protein product. Loss-of-function variants in PRPH2 are known to be pathogenic (PMID: 8111389, 8485575, 8485576, 8675410, 16916875, 17504850, 25675413, 26061163, 27365499, 29555955).

Literature cited by the submitters: PubMed 8111389; PubMed 8485575; PubMed 8485576; PubMed 8675410; PubMed 16916875; PubMed 17504850; PubMed 25675413; PubMed 26061163; PubMed 27365499; PubMed 29555955.

NM_000322.5(PRPH2):c.666C>A (p.Cys222Ter)

Gene: PRPH2 (peripherin 2; minus strand). Cytogenetic location: 6p21.1.
Variant type: single nucleotide variant.
Coding change: c.666C>A on transcript NM_000322.5 (MANE Select); coding-DNA position 666, C replaced by A.
Protein change: p.Cys222Ter; replaces cysteine 222 with a stop codon.
Molecular consequence: nonsense.
Genome position (GRCh38, 1-based): chr6:42,704,527, G>T on the plus strand (C>A on the coding strand, the complement: PRPH2 is on the minus strand). VCF-style: chr6-42704527-G-T. GRCh37 (hg19) VCF-style: chr6-42672265-G-T.
Other names: short protein forms C222*.
Identifiers: ClinVar variation 2015593 (VCV002015593.4), dbSNP rs2548300782, ClinGen allele CA364135437.